The following is an entry in ClinVar:

NM_016203.4(PRKAG2):c.-6dup

Gene: PRKAG2 (protein kinase AMP-activated non-catalytic subunit gamma 2; minus strand). Cytogenetic location: 7q36.1.
Variant type: Duplication.
Coding change: c.-6dup on transcript NM_016203.4 (MANE Select); 6 bases upstream of the start codon, one base duplicated (A; older notation c.-6dupA).
Molecular consequence: 5 prime UTR variant.
Genome position (GRCh38, 1-based): chr7:151,876,626, T duplicated on the plus strand (A on the coding strand, the reverse complement: PRKAG2 is on the minus strand). VCF-style (leftmost placement, unchanged base first): chr7-151876625-C-CT. GRCh37 (hg19) VCF-style: chr7-151573710-C-CT.
Other names: c.-6dupA (NM_016203.3).
Identifiers: ClinVar variation 927541 (VCV000927541.7), dbSNP rs1203090914, ClinGen allele CA578750085.

ClinVar aggregate classification (germline): Conflicting classifications of pathogenicity. Review status: criteria provided, conflicting classifications (1 of 4 stars). 3 submissions from 3 submitters: Uncertain significance (2); Likely benign (1). Last evaluated 2025-05-25.

Conditions:
Hypertrophic cardiomyopathy. Also called: HYPERTROPHIC MYOCARDIOPATHY. Identifiers: Orphanet 217569, MedGen C0007194, MeSH D002312, MONDO:0005045, HP:0001639.
PRKAG2-related disorder. Also called: PRKAG2-related condition; PRKAG2-related disorders.
Cardiomyopathy (CMYO). Also called: Cardiomyopathies. Identifiers: Orphanet 167848, MedGen C0878544, MONDO:0004994, HP:0001638. Inheritance: Various modes of inheritance.

Allele frequency attached by ClinVar (database versions not stated): gnomAD exomes below 0.00001 and 0.00001; gnomAD 0.00001; TOPMed 0.00001.

Submissions (3):

PreventionGenetics, part of Exact Sciences
Classification: Likely benign for PRKAG2-related condition. Last evaluated: 2025-05-25. Review status: criteria provided, single submitter. Criteria: ACMG Guidelines, 2015. Collection method: clinical testing. Allele origin: germline.
Comment: This variant is classified as likely benign based on ACMG/AMP sequence variant interpretation guidelines (Richards et al. 2015 PMID: 25741868, with internal and published modifications).

All of Us Research Program, National Institutes of Health
Classification: Uncertain significance for Hypertrophic cardiomyopathy. Last evaluated: 2023-06-26. Review status: criteria provided, single submitter. Criteria: ACMG Guidelines, 2015. Collection method: clinical testing. Allele origin: germline. Inheritance: Autosomal dominant inheritance. Observed: 2 variant alleles, 2 heterozygotes.
Comment: This variant duplicates 1 nucleotide in the 3' untranslated region of the PRKAG2 gene. To our knowledge, functional studies have not been reported for this variant. This variant has not been reported in individuals affected with PRKAG2-related disorders in the literature. This variant has been identified in 2/277916 chromosomes in the general population by the Genome Aggregation Database (gnomAD). The available evidence is insufficient to determine the role of this variant in disease conclusively. Therefore, this variant is classified as a Variant of Uncertain Significance.

This study involves interpretation of variants in research participants for the purpose of population health screening. Participant phenotype was not available at the time of variant classification. Additional details can be found in publication PMID: 35346344, PMCID: PMC8962531

Color Diagnostics, LLC DBA Color Health
Classification: Uncertain significance for Cardiomyopathy. Last evaluated: 2023-02-15. Review status: criteria provided, single submitter. Criteria: ACMG Guidelines, 2015. Collection method: clinical testing. Allele origin: germline.
Comment: This variant duplicates 1 nucleotide in the 3' untranslated region of the PRKAG2 gene. To our knowledge, functional studies have not been reported for this variant. This variant has not been reported in individuals affected with PRKAG2-related disorders in the literature. This variant has been identified in 2/277916 chromosomes in the general population by the Genome Aggregation Database (gnomAD). The available evidence is insufficient to determine the role of this variant in disease conclusively. Therefore, this variant is classified as a Variant of Uncertain Significance.